The following is an entry in ClinVar:

ClinVar aggregate classification (germline): Pathogenic (1 of 4 stars; one submission).

Conditions:
Niemann-Pick disease, type B. Also called: Chronic Visceral ASMD (Niemann-Pick Disease Type B; NPD-B). Identifiers: Orphanet 77293, MedGen C0268243, MONDO:0011871, OMIM 607616. Disease mechanism: loss of function.
Niemann-Pick disease, type A. Also called: SPHINGOMYELIN LIPIDOSIS; SPHINGOMYELINASE DEFICIENCY; Infantile Neurovisceral ASMD (Niemann-Pick Disease Type A; NPD-A). Identifiers: Orphanet 77292, MedGen C0268242, MONDO:0009756, OMIM 257200. Disease mechanism: loss of function.

Submission:

Labcorp Genetics (formerly Invitae), Labcorp
Classification: Pathogenic for Niemann-Pick disease, type B; Niemann-Pick disease, type A. Last evaluated: 2021-01-25. Review status: criteria provided, single submitter. Criteria: Invitae Variant Classification Sherloc (09022015). Collection method: clinical testing. Allele origin: germline.
Comment: This variant has not been reported in the literature in individuals with SMPD1-related conditions. This sequence change creates a premature translational stop signal (p.Ser65Phefs*77) in the SMPD1 gene. It is expected to result in an absent or disrupted protein product. Loss-of-function variants in SMPD1 are known to be pathogenic (PMID: 12369017, 15221801). This variant is not present in population databases (ExAC no frequency). For these reasons, this variant has been classified as Pathogenic.

Literature cited by the submitters: PubMed 12369017; PubMed 15221801.

NM_000543.5(SMPD1):c.193dup (p.Ser65fs)

Gene: SMPD1 (sphingomyelin phosphodiesterase 1; plus strand). Cytogenetic location: 11p15.4.
Variant type: Duplication.
Coding change: c.193dup on transcript NM_000543.5 (MANE Select); coding-DNA position 193, one base duplicated (T; older notation c.193dupT).
Protein change: p.Ser65fs; shifts the reading frame from serine 65.
Molecular consequence: frameshift variant. On other transcripts: 5 prime UTR variant (1), non-coding transcript variant (2).
Genome position (GRCh38, 1-based): chr11:6,390,791, T duplicated; the last of 3 consecutive T bases (chr11:6,390,789-6,390,791); duplicating any one gives the same sequence. VCF-style (leftmost placement, unchanged base first): chr11-6390788-C-CT. GRCh37 (hg19) VCF-style: chr11-6412018-C-CT.
Other names: c.193dup, p.Ser65fs (NM_001007593.3, NM_001318087.2, NM_001365135.2); c.-769dup (NM_001318088.2); short protein forms S65fs.
Identifiers: ClinVar variation 1451535 (VCV001451535.6), dbSNP rs1057517098, ClinGen allele CA2573147169.